The following is an entry in ClinVar:

NM_000330.4(RS1):c.175T>C (p.Cys59Arg)

Gene: RS1 (retinoschisin 1; minus strand). Cytogenetic location: Xp22.13.
Variant type: single nucleotide variant.
Coding change: c.175T>C on transcript NM_000330.4 (MANE Select); coding-DNA position 175, T replaced by C.
Protein change: p.Cys59Arg; replaces cysteine 59 with arginine.
Molecular consequence: missense variant.
Genome position (GRCh38, 1-based): chrX:18,656,662, A>G on the plus strand (T>C on the coding strand, the complement: RS1 is on the minus strand). VCF-style: chrX-18656662-A-G. GRCh37 (hg19) VCF-style: chrX-18674782-A-G.
Other names: NM_000330.4:c.175T>C; short protein forms C59R.
Identifiers: ClinVar variation 4279583 (VCV004279583.1).

ClinVar aggregate classification (germline): Likely pathogenic (3 of 4 stars; one submission).

Conditions:
Juvenile retinoschisis (RS1). Also called: X-linked retinoschisis; X-Linked Juvenile Retinoschisis. Identifiers: Orphanet 792, MedGen C3714753, MONDO:0010725, OMIM 312700.

Submission:

ClinGen X-linked Inherited Retinal Disease Variant Curation Expert Panel, ClinGen
Classification: Likely pathogenic for Juvenile retinoschisis. Last evaluated: 2025-10-03. Review status: reviewed by expert panel. Criteria: ClinGen X LinkedIRD ACMG Specifications RS1 V1.0.0. Collection method: curation. Allele origin: germline. Inheritance: X-linked inheritance.
Comment: NM_000330.4(RS1):c.175T>C (p.Cys59Arg) is a missense variant encoding the substitution of cysteine with arginine at amino acid 59, which is a critical amino acid residue involved in disulfide bridge formation as defined by the ClinGen X-linked IRD VCEP (PMID: 26812435, PM1_Strong). Another missense variant in the same codon, NM_000330.4(RS1):c.175T>A (p.Cys59Ser), (PMIDs: 31174210, 10450864, 17987333, 9618178) has been classified as pathogenic for X-linked retinoschisis by the ClinGen X-linked IRD VCEP, while no benign missense variants have been identified in this codon. The present variant has a higher Grantham’s distance (180) than the comparison variant (112), and SpliceAI has been used to confirm that neither variant has a predicted impact on RS1 splicing (PM5). This variant is absent from hemizygous individuals in gnomAD v4.1.0 (PM2_Supporting). The computational predictor REVEL gives a score of 0.833, which is within the ClinGen X-linked IRD VCEP range of 0.931 to 0.773, and predicts a damaging effect on RS1 function. PP3 is not met as this code is ineligible to be combined with the PM1_Strong code. The computational splicing predictor SpliceAI gives a delta score of 0.00 for all predictive splice changes, which is below the ClinGen X-linked IRD VCEP threshold of >0.2 and does not predict that the variant disrupts RS1 splicing. In summary, this variant is classified as likely pathogenic for X-linked Retinoschisis based on the ClinGen X-linked Inherited Retinal Disease Expert Panel Specifications to the ACMG/AMP Variant Interpretation Guidelines for RS1 Version 1.0.0: PM2_Supporting, PM1_Strong, and PM5.